The following is an entry in ClinVar:

ClinVar aggregate classification (germline): Uncertain significance (1 of 4 stars; one submission).

Submission:

GeneDx
Classification: Uncertain significance. Last evaluated: 2025-04-03. Review status: criteria provided, single submitter. Criteria: GeneDx Variant Classification Process June 2021. Collection method: clinical testing. Allele origin: germline. Affected: yes.
Comment: Not observed at significant frequency in large population cohorts (gnomAD); In silico analysis indicates that this missense variant does not alter protein structure/function; Has not been previously published as pathogenic or benign to our knowledge

NM_003179.3(SYP):c.719C>T (p.Pro240Leu)

Gene: SYP (synaptophysin; minus strand). Cytogenetic location: Xp11.23.
Variant type: single nucleotide variant.
Coding change: c.719C>T on transcript NM_003179.3 (MANE Select); coding-DNA position 719, C replaced by T.
Protein change: p.Pro240Leu; replaces proline 240 with leucine.
Molecular consequence: missense variant.
Genome position (GRCh38, 1-based): chrX:49,191,660, G>A on the plus strand (C>T on the coding strand, the complement: SYP is on the minus strand). VCF-style: chrX-49191660-G-A. GRCh37 (hg19) VCF-style: chrX-49048117-G-A.
Other names: short protein forms P240L.
Identifiers: ClinVar variation 4278571 (VCV004278571.1).